The following is an entry in ClinVar:

ClinVar aggregate classification (germline): Likely pathogenic (1 of 4 stars; one submission).

Conditions:
Juvenile polyposis syndrome (JPS). Identifiers: Orphanet 2929, MedGen C0345893, MONDO:0017380, OMIM 174900.

Submission:

Labcorp Genetics (formerly Invitae), Labcorp
Classification: Likely pathogenic for Juvenile polyposis syndrome. Last evaluated: 2023-10-27. Review status: criteria provided, single submitter. Criteria: Invitae Variant Classification Sherloc (09022015). Collection method: clinical testing. Allele origin: germline.
Comment: This sequence change affects a donor splice site in intron 8 of the BMPR1A gene. It is expected to disrupt RNA splicing. Variants that disrupt the donor or acceptor splice site typically lead to a loss of protein function (PMID: 16199547), and loss-of-function variants in BMPR1A are known to be pathogenic (PMID: 11536076, 12417513). This variant is not present in population databases (gnomAD no frequency). This variant has not been reported in the literature in individuals affected with BMPR1A-related conditions. Algorithms developed to predict the effect of sequence changes on RNA splicing suggest that this variant may disrupt the consensus splice site. In summary, the currently available evidence indicates that the variant is pathogenic, but additional data are needed to prove that conclusively. Therefore, this variant has been classified as Likely Pathogenic.

Literature cited by the submitters: PubMed 16199547; PubMed 11536076; PubMed 12417513.

NM_004329.3(BMPR1A):c.675+1G>T

Gene: BMPR1A (bone morphogenetic protein receptor type 1A; plus strand). Cytogenetic location: 10q23.2.
Variant type: single nucleotide variant.
Coding change: c.675+1G>T on transcript NM_004329.3 (MANE Select); the canonical splice donor site of the intron after coding-DNA position 675, G replaced by T.
Molecular consequence: splice donor variant. On other transcripts: intron variant (1).
Genome position (GRCh38, 1-based): chr10:86,912,385, G>T. VCF-style: chr10-86912385-G-T. GRCh37 (hg19) VCF-style: chr10-88672142-G-T.
Other names: c.675+1G>T (NM_001406562.1, NM_001406568.1, NM_001406567.1 and 20 more transcripts); c.591+1G>T (NM_001406584.1, NM_001406588.1, NM_001406587.1 and 2 more transcripts); c.723+1G>T (NM_001406560.1); c.750+1G>T (NM_001406559.1); c.334-4749G>T (NM_001406589.1).
Identifiers: ClinVar variation 2756906 (VCV002756906.3), dbSNP rs878854672, ClinGen allele CA377455254.